The following is an entry in ClinVar:

NM_004064.5(CDKN1B):c.183T>G (p.Asn61Lys)

Gene: CDKN1B (cyclin dependent kinase inhibitor 1B; plus strand). Cytogenetic location: 12p13.1.
Variant type: single nucleotide variant.
Coding change: c.183T>G on transcript NM_004064.5 (MANE Select); coding-DNA position 183, T replaced by G.
Protein change: p.Asn61Lys; replaces asparagine 61 with lysine.
Molecular consequence: missense variant.
Genome position (GRCh38, 1-based): chr12:12,718,022, T>G. VCF-style: chr12-12718022-T-G. GRCh37 (hg19) VCF-style: chr12-12870956-T-G.
Other names: short protein forms N61K.
Identifiers: ClinVar variation 1439702 (VCV001439702.9), dbSNP rs2136355731, ClinGen allele CA383969307.
Genomic context (GRCh38, chr12:12,718,022, plus strand): 5'-AACCCGGGACTTGGAGAAGCACTGCAGAGACATGGAAGAGGCGAGCCAGCGCAAGTGGAA[T>G]TTCGATTTTCAGAATCACAAACCCCTAGAGGGCAAGTACGAGTGGCAAGAGGTGGAGAAG-3'
Protein context (NP_004055.1, residues 51-71): DMEEASQRKW[Asn61Lys]FDFQNHKPLE

ClinVar aggregate classification (germline): Uncertain significance. Review status: criteria provided, multiple submitters, no conflicts (2 of 4 stars). 2 submissions from 2 submitters: Uncertain significance (2). Last evaluated 2024-08-06.

Conditions:
Multiple endocrine neoplasia type 4. Also called: MULTIPLE ENDOCRINE NEOPLASIA, TYPE IV. Identifiers: Orphanet 276152, MedGen C1970712, MONDO:0012552, OMIM 610755.
Hereditary cancer-predisposing syndrome. Also called: Neoplastic Syndromes, Hereditary; Hereditary Cancer Syndrome; Tumor predisposition; Hereditary neoplastic syndrome. Identifiers: Orphanet 140162, MedGen C0027672, MeSH D009386, MONDO:0015356.

Allele frequency attached by ClinVar (database versions not stated): gnomAD exomes below 0.00001.

Submissions (2):

Ambry Genetics
Classification: Uncertain significance for Hereditary cancer-predisposing syndrome. Last evaluated: 2024-08-06. Review status: criteria provided, single submitter. Criteria: Ambry Variant Classification Scheme 2023. Collection method: clinical testing. Allele origin: germline.
Comment: The p.N61K variant (also known as c.183T>G), located in coding exon 1 of the CDKN1B gene, results from a T to G substitution at nucleotide position 183. The asparagine at codon 61 is replaced by lysine, an amino acid with similar properties. This amino acid position is well conserved in available vertebrate species. In addition, the in silico prediction for this alteration is inconclusive. Based on the available evidence, the clinical significance of this variant remains unclear.

Labcorp Genetics (formerly Invitae), Labcorp
Classification: Uncertain significance for Multiple endocrine neoplasia type 4. Last evaluated: 2024-04-15. Review status: criteria provided, single submitter. Criteria: Invitae Variant Classification Sherloc (09022015). Collection method: clinical testing. Allele origin: germline.
Comment: This sequence change replaces asparagine, which is neutral and polar, with lysine, which is basic and polar, at codon 61 of the CDKN1B protein (p.Asn61Lys). This variant is not present in population databases (gnomAD no frequency). This variant has not been reported in the literature in individuals affected with CDKN1B-related conditions. ClinVar contains an entry for this variant (Variation ID: 1439702). An algorithm developed to predict the effect of missense changes on protein structure and function (PolyPhen-2) suggests that this variant is likely to be disruptive. In summary, the available evidence is currently insufficient to determine the role of this variant in disease. Therefore, it has been classified as a Variant of Uncertain Significance.